The following is an entry in ClinVar:

NM_000228.3(LAMB3):c.3139C>T (p.Arg1047Cys)

Gene: LAMB3 (laminin subunit beta 3; minus strand). Cytogenetic location: 1q32.2.
Variant type: single nucleotide variant.
Coding change: c.3139C>T on transcript NM_000228.3 (MANE Select); coding-DNA position 3139, C replaced by T.
Protein change: p.Arg1047Cys; replaces arginine 1047 with cysteine.
Molecular consequence: missense variant.
Genome position (GRCh38, 1-based): chr1:209,617,499, G>A on the plus strand (C>T on the coding strand, the complement: LAMB3 is on the minus strand). VCF-style: chr1-209617499-G-A. GRCh37 (hg19) VCF-style: chr1-209790844-G-A.
Other names: c.3139C>T, p.Arg1047Cys (NM_001017402.2, NM_001127641.1); short protein forms R1047C.
Identifiers: ClinVar variation 3774147 (VCV003774147.1).

ClinVar aggregate classification (germline): Uncertain significance (1 of 4 stars; one submission).

Submission:

GeneDx
Classification: Uncertain significance. Last evaluated: 2024-09-17. Review status: criteria provided, single submitter. Criteria: GeneDx Variant Classification Process June 2021. Collection method: clinical testing. Allele origin: germline. Affected: yes.
Comment: In silico analysis supports that this missense variant has a deleterious effect on protein structure/function; Has not been previously published as pathogenic or benign to our knowledge